The following is an entry in ClinVar:

NM_001160372.4(TRAPPC9):c.1994C>T (p.Thr665Met)

Gene: TRAPPC9 (trafficking protein particle complex subunit 9; minus strand). Cytogenetic location: 8q24.3.
Variant type: single nucleotide variant.
Coding change: c.1994C>T on transcript NM_001160372.4 (MANE Select); coding-DNA position 1994, C replaced by T.
Protein change: p.Thr665Met; replaces threonine 665 with methionine.
Molecular consequence: missense variant. On other transcripts: non-coding transcript variant (1).
Genome position (GRCh38, 1-based): chr8:140,284,009, G>A on the plus strand (C>T on the coding strand, the complement: TRAPPC9 is on the minus strand). VCF-style: chr8-140284009-G-A. GRCh37 (hg19) VCF-style: chr8-141294108-G-A.
Other names: c.2015C>T, p.Thr672Met (NM_001374682.1); c.1994C>T, p.Thr665Met (NM_001374683.1, NM_031466.8); c.1850C>T, p.Thr617Met (NM_001374684.1); c.1967C>T, p.Thr656Met (NM_001321646.2); short protein forms T672M, T617M, T656M, T665M.
Identifiers: ClinVar variation 1789043 (VCV001789043.6), dbSNP rs201556589, ClinGen allele CA4893224.
Genomic context (GRCh38, chr8:140,284,009, plus strand): 5'-CCACTGGTTTTTATTCCCGGCAGGTTATCCAGCAAACAGTCACTGAACACACCGAAGACC[G>A]TGGTATGGTAACCTGGAATAGAAAAGGAACTTCTTCACTCCACTGGCAAGGCTTTGGGTC-3'
Protein context (NP_001153844.1, residues 655-675): GTITVNGYHT[Thr665Met]VFGVFSDCLL

ClinVar aggregate classification (germline): Uncertain significance. Review status: criteria provided, multiple submitters, no conflicts (2 of 4 stars). 2 submissions from 2 submitters: Uncertain significance (2). Last evaluated 2022-10-25.

Conditions:
Inborn genetic diseases. Identifiers: MedGen C0950123, MeSH D030342.

Allele frequency attached by ClinVar (database versions not stated): ExAC 0.00002; gnomAD exomes 0.00003; TOPMed 0.00004; gnomAD 0.00005; ESP Exome Variant Server 0.00008; 1000 Genomes Project 30x 0.00016; 1000 Genomes Project 0.00020.
gnomAD v4.1: 51 of 1,614,084 alleles (0.0032%); highest among the groups gnomAD compares: African/African-American, 0.008%; no homozygotes.

Submissions (2):

Labcorp Genetics (formerly Invitae), Labcorp
Classification: Uncertain significance. Last evaluated: 2022-10-25. Review status: criteria provided, single submitter. Criteria: Invitae Variant Classification Sherloc (09022015). Collection method: clinical testing. Allele origin: germline.
Comment: In summary, the available evidence is currently insufficient to determine the role of this variant in disease. Therefore, it has been classified as a Variant of Uncertain Significance. Algorithms developed to predict the effect of missense changes on protein structure and function are either unavailable or do not agree on the potential impact of this missense change (SIFT: "Not Available"; PolyPhen-2: "Probably Damaging"; Align-GVGD: "Not Available"). This variant has not been reported in the literature in individuals affected with TRAPPC9-related conditions. This variant is present in population databases (rs201556589, gnomAD 0.02%). This sequence change replaces threonine, which is neutral and polar, with methionine, which is neutral and non-polar, at codon 763 of the TRAPPC9 protein (p.Thr763Met).

Ambry Genetics
Classification: Uncertain significance for Inborn genetic diseases. Last evaluated: 2019-01-08. Review status: criteria provided, single submitter. Criteria: Ambry Variant Classification Scheme 2023. Collection method: clinical testing. Allele origin: germline.
Comment: The p.T763M variant (also known as c.2288C>T), located in coding exon 14 of the TRAPPC9 gene, results from a C to T substitution at nucleotide position 2288. The threonine at codon 763 is replaced by methionine, an amino acid with similar properties. This amino acid position is highly conserved through mammals but not in all available vertebrate species. In addition, this alteration is predicted to be tolerated by in silico analysis. Since supporting evidence is limited at this time, the clinical significance of this alteration remains unclear.